The following is an entry in ClinVar:

NC_000013.10:g.(32918791_32920963)_(32921034_32928997)del

Gene: BRCA2 (BRCA2 DNA repair associated; plus strand). Cytogenetic location: 13q13.1.
Variant type: Deletion.
Identifiers: ClinVar variation 2573507 (VCV002573507.1).

ClinVar aggregate classification (germline): Pathogenic (1 of 4 stars; one submission).

Conditions:
Hereditary breast ovarian cancer syndrome. Also called: Breast and ovarian cancer; Hereditary breast and ovarian cancer; Hereditary breast and ovarian cancer syndrome (HBOC); Hereditary breast and/or ovarian cancer syndrome; Hereditary breast and ovarian cancer syndrome; BRCA1- and BRCA2-Associated Hereditary Breast and Ovarian Cancer. Identifiers: Orphanet 145, MedGen C0677776, MeSH D061325, MONDO:0003582. Disease mechanism: loss of function.

Submission:

Women's Health and Genetics/Laboratory Corporation of America, LabCorp
Classification: Pathogenic for Hereditary breast ovarian cancer syndrome. Last evaluated: 2023-06-07. Review status: criteria provided, single submitter. Criteria: LabCorp Variant Classification Summary - May 2015. Collection method: clinical testing. Allele origin: germline.
Comment: Variant summary: The variant identified by MLPA or other technology involves the deletion of exon 13 in the BRCA2 gene. A presumed nomenclature of c.(6937+1_6938-1)_(7007+1_7008-1)del has been designated for the purposes of this classification. Although exact breakpoints of this deletion are not known, it is expected to result in a frameshift in the BRCA2 gene, a known mechanism of disease. The variant was absent in 21692 control chromosomes. The available data on variant occurrences in the general population are insufficient to allow any conclusion about variant significance. c.(6937+1_6938-1)_(7007+1_7008-1)del has been reported in the literature in at least one individual affected with Hereditary Breast And Ovarian Cancer Syndrome (example: Palmero_2018). To our knowledge, no experimental evidence demonstrating an impact on protein function has been reported. The following publication has been ascertained in the context of this evaluation (PMID: 29907814). One clinical diagnostic laboratory has submitted clinical-significance assessments for this variant to ClinVar after 2014 without evidence for independent evaluation, classifying the variant as pathogenic. Based on the evidence outlined above, the variant was classified as pathogenic.

Literature cited by the submitters: PubMed 29907814.